The following is an entry in ClinVar:

NM_198334.3(GANAB):c.1983G>A (p.Val661=)

Gene: GANAB (glucosidase II alpha subunit; minus strand). Cytogenetic location: 11q12.3.
Variant type: single nucleotide variant.
Coding change: c.1983G>A on transcript NM_198334.3 (MANE Select); coding-DNA position 1983, G replaced by A.
Protein change: p.Val661=; no amino-acid change (valine 661 retained).
Molecular consequence: synonymous variant.
Genome position (GRCh38, 1-based): chr11:62,628,966, C>T on the plus strand (G>A on the coding strand, the complement: GANAB is on the minus strand). VCF-style: chr11-62628966-C-T. GRCh37 (hg19) VCF-style: chr11-62396438-C-T.
Other names: c.2049G>A, p.Val683= (NM_198335.4); c.1707G>A, p.Val569= (NM_001278192.2); c.1641G>A, p.Val547= (NM_001278193.2); c.1692G>A, p.Val564= (NM_001278194.2, NM_001329222.2, NM_001329223.2); c.1260G>A, p.Val420= (NM_001329224.2, NM_001329225.2).
Identifiers: ClinVar variation 3054414 (VCV003054414.3), dbSNP rs766105881, ClinGen allele CA6050597.

ClinVar aggregate classification (germline): Uncertain significance. Review status: criteria provided, single submitter (1 of 4 stars). 2 submissions from 2 submitters: Uncertain significance (1). 1 of the submissions does not count toward it. Last evaluated 2024-03-13.

Conditions:
Polycystic kidney disease 3 with or without polycystic liver disease. Also called: POLYCYSTIC KIDNEY DISEASE, ADULT, TYPE III; Polycystic kidney disease 3; Polycystic Kidney and/or Polycystic Liver Disease 3. Identifiers: MedGen C3887964, MONDO:0010916, OMIM 600666.
GANAB-related disorder. Also called: GANAB-related condition.

Allele frequency attached by ClinVar (database versions not stated): ExAC 0.00001.
gnomAD v4.1: 10 of 1,613,996 alleles (0.00062%); highest among the groups gnomAD compares: Non-Finnish European, 0.00085%; no homozygotes.

Submissions (2):

Fulgent Genetics
Classification: Uncertain significance for Polycystic kidney disease 3 with or without polycystic liver disease. Last evaluated: 2024-03-13. Review status: criteria provided, single submitter. Criteria: ACMG Guidelines, 2015. Collection method: clinical testing. Allele origin: germline.

PreventionGenetics, part of Exact Sciences
Classification: Likely benign for GANAB-related condition. Last evaluated: 2020-04-27. Review status: no assertion criteria provided. Collection method: clinical testing. Allele origin: germline. Not counted in ClinVar's aggregate classification.
Comment: This variant is classified as likely benign based on ACMG/AMP sequence variant interpretation guidelines (Richards et al. 2015 PMID: 25741868, with internal and published modifications).